The following is an entry in ClinVar:

NM_000836.4(GRIN2D):c.2962G>C (p.Ala988Pro)

Gene: GRIN2D (glutamate ionotropic receptor NMDA type subunit 2D; plus strand). Cytogenetic location: 19q13.33.
Variant type: single nucleotide variant.
Coding change: c.2962G>C on transcript NM_000836.4 (MANE Select); coding-DNA position 2962, G replaced by C.
Protein change: p.Ala988Pro; replaces alanine 988 with proline.
Molecular consequence: missense variant.
Genome position (GRCh38, 1-based): chr19:48,442,888, G>C. VCF-style: chr19-48442888-G-C. GRCh37 (hg19) VCF-style: chr19-48946145-G-C.
Other names: short protein forms A988P.
Identifiers: ClinVar variation 1426639 (VCV001426639.6), dbSNP rs1415817761, ClinGen allele CA406674427.

ClinVar aggregate classification (germline): Uncertain significance (1 of 4 stars; one submission).

Allele frequency attached by ClinVar (database versions not stated): TOPMed below 0.00001; gnomAD 0.00001; 1000 Genomes Project 30x 0.00031.
gnomAD v4.1: 2 of 1,092,640 alleles (0.00018%); highest among the groups gnomAD compares: Admixed American, 0.011%; no homozygotes.

Submission:

Labcorp Genetics (formerly Invitae), Labcorp
Classification: Uncertain significance. Last evaluated: 2022-08-23. Review status: criteria provided, single submitter. Criteria: Invitae Variant Classification Sherloc (09022015). Collection method: clinical testing. Allele origin: germline.
Comment: In summary, the available evidence is currently insufficient to determine the role of this variant in disease. Therefore, it has been classified as a Variant of Uncertain Significance. Advanced modeling of protein sequence and biophysical properties (such as structural, functional, and spatial information, amino acid conservation, physicochemical variation, residue mobility, and thermodynamic stability) performed at Invitae indicates that this missense variant is not expected to disrupt GRIN2D protein function. ClinVar contains an entry for this variant (Variation ID: 1426639). This variant has not been reported in the literature in individuals affected with GRIN2D-related conditions. The frequency data for this variant in the population databases is considered unreliable, as metrics indicate insufficient coverage at this position in the gnomAD database. This sequence change replaces alanine, which is neutral and non-polar, with proline, which is neutral and non-polar, at codon 988 of the GRIN2D protein (p.Ala988Pro).